The following is an entry in ClinVar:

ClinVar aggregate classification (germline): Pathogenic (1 of 4 stars; one submission).

Conditions:
Myofibrillar myopathy 5. Also called: Filaminopathy (type); FILAMINOPATHY, AUTOSOMAL DOMINANT. Identifiers: Orphanet 171445, MedGen C1836050, MONDO:0012289, OMIM 609524.
Distal myopathy with posterior leg and anterior hand involvement. Also called: WILLIAMS DISTAL MYOPATHY. Identifiers: Orphanet 63273, MedGen C3279722, MONDO:0013550, OMIM 614065.
Hypertrophic cardiomyopathy 26. Also called: Cardiomyopathy, familial hypertrophic, 26. Identifiers: Orphanet 75249, MedGen C4310749, MONDO:0014883, OMIM 617047.

Submission:

Labcorp Genetics (formerly Invitae), Labcorp
Classification: Pathogenic for Distal myopathy with posterior leg and anterior hand involvement; Myofibrillar myopathy 5; Hypertrophic cardiomyopathy 26. Last evaluated: 2025-08-31. Review status: criteria provided, single submitter. Criteria: Invitae Variant Classification Sherloc (09022015). Collection method: clinical testing. Allele origin: germline.
Comment: This sequence change creates a premature translational stop signal (p.Trp34*) in the FLNC gene. It is expected to result in an absent or disrupted protein product. Loss-of-function variants in FLNC are known to be pathogenic (PMID: 27908349). This variant is not present in population databases (gnomAD no frequency). This premature translational stop signal has been observed in individual(s) with clinical features of FLNC-related disorders (PMID: 30935706). ClinVar contains an entry for this variant (Variation ID: 3753027). For these reasons, this variant has been classified as Pathogenic.

Literature cited by the submitters: PubMed 27908349; PubMed 30935706.

NM_001458.5(FLNC):c.101G>A (p.Trp34Ter)

Gene: FLNC (filamin C; plus strand). Cytogenetic location: 7q32.1.
Variant type: single nucleotide variant.
Coding change: c.101G>A on transcript NM_001458.5 (MANE Select); coding-DNA position 101, G replaced by A.
Protein change: p.Trp34Ter; replaces tryptophan 34 with a stop codon.
Molecular consequence: nonsense.
Genome position (GRCh38, 1-based): chr7:128,830,738, G>A. VCF-style: chr7-128830738-G-A. GRCh37 (hg19) VCF-style: chr7-128470792-G-A.
Other names: c.101G>A, p.Trp34Ter (NM_001127487.2); short protein forms W34*.
Identifiers: ClinVar variation 3753027 (VCV003753027.2).